The following is an entry in ClinVar:

NM_001127208.3(TET2):c.2902_2907del (p.Pro968_Gln969del)

Genes: TET2-AS1 (TET2 antisense RNA 1; minus strand), TET2 (tet methylcytosine dioxygenase 2; plus strand). Cytogenetic location: 4q24.
Variant type: Deletion.
Coding change: c.2902_2907del on transcript NM_001127208.3 (MANE Select); coding-DNA positions 2902 to 2907, 6 bases deleted (CCCCAA; older notation c.2902_2907delCCCCAA).
Protein change: p.Pro968_Gln969del.
Molecular consequence: inframe deletion.
Genome position (GRCh38, 1-based): chr4:105,236,844-105,236,849, CCCCAA deleted; deleting any 6 consecutive bases within chr4:105,236,841-105,236,849 gives the same sequence; the c. name uses the placement nearest the transcript's 3' end. VCF-style (leftmost placement, unchanged base first): chr4-105236840-GCAACCC-G. GRCh37 (hg19) VCF-style: chr4-106157997-GCAACCC-G.
Other names: c.2902_2907del, p.Pro968_Gln969del (NM_017628.4).
Identifiers: ClinVar variation 4728155 (VCV004728155.1).
Genomic context (GRCh38, chr4:105,236,840, plus strand): 5'-TCAAAAGCATGCTGCTCTAAGGTGGCATCTCTTACAGAAGCAAGAACAGCAGCAAACACA[GCAACCC>G]CAAACTGAGTCTTGCCATAGTCAGATGCACAGGCCAATTAAGGTGGAACCTGGATGCAAG-3'

ClinVar aggregate classification (germline): Uncertain significance (1 of 4 stars; one submission).

Submission:

Labcorp Genetics (formerly Invitae), Labcorp
Classification: Uncertain significance. Last evaluated: 2025-10-05. Review status: criteria provided, single submitter. Criteria: Invitae Variant Classification Sherloc (09022015). Collection method: clinical testing. Allele origin: germline.
Comment: This variant, c.2902_2907del, results in the deletion of 2 amino acid(s) of the TET2 protein (p.Pro968_Gln969del), but otherwise preserves the integrity of the reading frame. This variant is not present in population databases (gnomAD no frequency). This variant has not been reported in the literature in individuals affected with TET2-related conditions. Experimental studies and prediction algorithms are not available or were not evaluated, and the functional significance of this variant is currently unknown. In summary, the available evidence is currently insufficient to determine the role of this variant in disease. Therefore, it has been classified as a Variant of Uncertain Significance.